The following is an entry in ClinVar:

ClinVar aggregate classification (germline): Benign. Review status: criteria provided, multiple submitters, no conflicts (2 of 4 stars). 4 submissions from 2 submitters: Benign (4). Last evaluated 2018-01-12.

Conditions:
Insulin-resistant diabetes mellitus AND acanthosis nigricans. Also called: Insulin-resistance syndrome type A; INSULIN RECEPTOR, DEFECT IN, WITH INSULIN-RESISTANT DIABETES MELLITUS AND ACANTHOSIS NIGRICANS; IRAN, TYPE A; type A insulin resistance; DIABETES MELLITUS, INSULIN-RESISTANT, WITH ACANTHOSIS NIGRICANS, TYPE A. Identifiers: Orphanet 2297, MedGen C0342278, MONDO:0012520, OMIM 610549.
Rabson-Mendenhall syndrome. Also called: MENDENHALL SYNDROME; Pineal Hyperplasia, Insulin-Resistant Diabetes Mellitus, and Somatic Abnormalities; Pineal hyperplasia AND diabetes mellitus syndrome. Identifiers: Orphanet 769, MedGen C0271695, MONDO:0009874, OMIM 262190.
Leprechaunism syndrome. Also called: Donohue syndrome; LEPRECHAUNISM. Identifiers: Orphanet 508, MedGen C0265344, MONDO:0009517, OMIM 246200.

Allele frequency attached by ClinVar (database versions not stated): gnomAD 0.22772 and 0.23234; TOPMed 0.23568; gnomAD exomes 0.28571; 1000 Genomes Project 30x 0.28919; 1000 Genomes Project 0.29593.
gnomAD v4.1: 35,171 of 151,414 alleles (23%); highest among the groups gnomAD compares: East Asian, 38%; 4,330 homozygotes.

Submissions (4):

Illumina Laboratory Services, Illumina
Classification: Benign for Insulin-resistant diabetes mellitus AND acanthosis nigricans. Last evaluated: 2018-01-12. Review status: criteria provided, single submitter. Criteria: ICSL Variant Classification Criteria 13 December 2019. Collection method: clinical testing. Allele origin: germline.
Comment: This variant was observed in the ICSL laboratory as part of a predisposition screen in an ostensibly healthy population. It had not been previously curated by ICSL or reported in the Human Gene Mutation Database (HGMD: prior to June 1st, 2018), and was therefore a candidate for classification through an automated scoring system. Utilizing variant allele frequency, disease prevalence and penetrance estimates, and inheritance mode, an automated score was calculated to assess if this variant is too frequent to cause the disease. Based on the score and internal cut-off values, a variant classified as benign is not then subjected to further curation. The score for this variant resulted in a classification of benign for this disease.

Illumina Laboratory Services, Illumina
Classification: Benign for Leprechaunism syndrome. Last evaluated: 2018-01-12. Review status: criteria provided, single submitter. Criteria: ICSL Variant Classification Criteria 13 December 2019. Collection method: clinical testing. Allele origin: germline.
Comment: the same text as in the submission from Illumina Laboratory Services, Illumina above.

Illumina Laboratory Services, Illumina
Classification: Benign for Rabson-Mendenhall syndrome. Last evaluated: 2018-01-12. Review status: criteria provided, single submitter. Criteria: ICSL Variant Classification Criteria 13 December 2019. Collection method: clinical testing. Allele origin: germline.
Comment: the same text as in the submission from Illumina Laboratory Services, Illumina above.

Breakthrough Genomics
Classification: Benign. Review status: criteria provided, single submitter. Criteria: ACMG Guidelines, 2015. Collection method: not provided. Allele origin: germline. Inheritance: Autosomal recessive inheritance. Affected: yes.

NM_000208.4(INSR):c.*784C>G

Gene: INSR (insulin receptor; minus strand). Cytogenetic location: 19p13.2.
Variant type: single nucleotide variant.
Coding change: c.*784C>G on transcript NM_000208.4 (MANE Select); 784 bases downstream of the stop codon, C replaced by G.
Molecular consequence: 3 prime UTR variant.
Genome position (GRCh38, 1-based): chr19:7,116,272, G>C on the plus strand (C>G on the coding strand, the complement: INSR is on the minus strand). VCF-style: chr19-7116272-G-C. GRCh37 (hg19) VCF-style: chr19-7116283-G-C.
Other names: c.*784C>G (NM_001079817.3).
Identifiers: ClinVar variation 330418 (VCV000330418.6), dbSNP rs1051651, ClinGen allele CA10643405.
Genomic context (GRCh38, chr19:7,116,272, plus strand): 5'-ATGTGAAGGGAGGGTAGAAACCTGAGGCTAGACTTCTGACACAAGAAGAATCTGTCGAGA[G>C]CACAGTCTCCCAGTCAATAAGAAGGAAGGAGAGAGGGGGATGAGCTCGCACCCTTGAGAA-3'